The following is an entry in ClinVar:

NM_000719.7(CACNA1C):c.42C>A (p.Asn14Lys)

Gene: CACNA1C (calcium voltage-gated channel subunit alpha1 C; plus strand). Cytogenetic location: 12p13.33.
Variant type: single nucleotide variant.
Coding change: c.42C>A on transcript NM_000719.7 (MANE Select); coding-DNA position 42, C replaced by A.
Protein change: p.Asn14Lys; replaces asparagine 14 with lysine.
Molecular consequence: missense variant.
Genome position (GRCh38, 1-based): chr12:2,053,604, C>A. VCF-style: chr12-2053604-C-A. GRCh37 (hg19) VCF-style: chr12-2162770-C-A.
Other names: c.42C>A, p.Asn14Lys (NM_001129827.2, NM_001129829.2, NM_001129830.3 and 19 more transcripts); short protein forms N14K.
Identifiers: ClinVar variation 4801130 (VCV004801130.1).

ClinVar aggregate classification (germline): Uncertain significance (1 of 4 stars; one submission).

Conditions:
Long QT syndrome (LQTS). Identifiers: MedGen C0023976, MeSH D008133, MONDO:0002442. Disease mechanism: loss of function. Inheritance: Various modes of inheritance.

gnomAD v4.1: 1 of 1,598,206 alleles (0.000063%); highest among the groups gnomAD compares: Admixed American, 0.0017%; no homozygotes.

Submission:

Labcorp Genetics (formerly Invitae), Labcorp
Classification: Uncertain significance for Long QT syndrome. Last evaluated: 2025-08-26. Review status: criteria provided, single submitter. Criteria: Invitae Variant Classification Sherloc (09022015). Collection method: clinical testing. Allele origin: germline.
Comment: This sequence change replaces asparagine, which is neutral and polar, with lysine, which is basic and polar, at codon 14 of the CACNA1C protein (p.Asn14Lys). This variant is not present in population databases (gnomAD no frequency). This variant has not been reported in the literature in individuals affected with CACNA1C-related conditions. Invitae Evidence Modeling of protein sequence and biophysical properties (such as structural, functional, and spatial information, amino acid conservation, physicochemical variation, residue mobility, and thermodynamic stability) indicates that this missense variant is not expected to disrupt CACNA1C protein function with a negative predictive value of 95%. In summary, the available evidence is currently insufficient to determine the role of this variant in disease. Therefore, it has been classified as a Variant of Uncertain Significance.